The following is an entry in ClinVar:

NM_000444.6(PHEX):c.842T>G (p.Ile281Arg)

Gene: PHEX (phosphate regulating endopeptidase X-linked; plus strand). Cytogenetic location: Xp22.11.
Variant type: single nucleotide variant.
Coding change: c.842T>G on transcript NM_000444.6 (MANE Select); coding-DNA position 842, T replaced by G.
Protein change: p.Ile281Arg; replaces isoleucine 281 with arginine.
Molecular consequence: missense variant.
Genome position (GRCh38, 1-based): chrX:22,094,092, T>G. VCF-style: chrX-22094092-T-G. GRCh37 (hg19) VCF-style: chrX-22112210-T-G.
Other names: c.842T>G, p.Ile281Arg (NM_001282754.2); short protein forms I281R.
Identifiers: ClinVar variation 1806062 (VCV001806062.1), dbSNP rs2519772389, ClinGen allele CA412572499.
Genomic context (GRCh38, chrX:22,094,092, plus strand): 5'-GAGCTAACAGTTCCAGAGCAGAGCATGACATGAAGTCAGTGCTCAGATTGGAAATTAAGA[T>G]AGCTGAGGTAAGTCTTCACTGAAAATCTCTTTCTTTCCTTTACTTTCTTTTCTTTTCCTT-3'
Protein context (NP_000435.3, residues 271-291): MKSVLRLEIK[Ile281Arg]AEIMIPHENR

ClinVar aggregate classification (germline): Likely pathogenic (1 of 4 stars; one submission).

Conditions:
Familial X-linked hypophosphatemic vitamin D refractory rickets (XLHRD). Also called: X-Linked Hypophosphatemia; HYPOPHOSPHATEMIC VITAMIN D-RESISTANT RICKETS; Hypophosphatemic Rickets, X-Linked Dominant; Hypophosphatemia, vitamin D-resistant rickets; Vitamin D-resistant rickets, X-linked. Identifiers: Orphanet 89936, MedGen C0733682, MONDO:0010619, OMIM 307800.

Submission:

Victorian Clinical Genetics Services, Murdoch Childrens Research Institute
Classification: Likely pathogenic for Familial X-linked hypophosphatemic vitamin D refractory rickets. Last evaluated: 2020-10-19. Review status: criteria provided, single submitter. Criteria: ACMG Guidelines, 2015. Collection method: clinical testing. Allele origin: germline. Inheritance: X-linked dominant inheritance. Affected: yes.
Comment: Based on the classification scheme VCGS_Germline_v1.1.1, this variant is classified as Likely pathogenic. Following criteria are met: 0102 - Loss-of-function is a known mechanism of disease for this gene. (N) 0110 - This gene is known to be associated with X-linked dominant disease. (N) 0200 - Variant is predicted to result in a missense amino acid change from isoleucine to arginine (exon 7). (N) 0251 - Variant is heterozygous. (N) 0301 - Variant is absent from gnomAD. (P) 0502 - Missense variant with conflicting in silico predictions and/or uninformative conservation. (N) 0600 - Variant is located in an annotated domain or motif (Peptidase family M13 N-terminal domain; PDB). (N) 0704 - Comparable variant has low previous evidence for pathogenicity. A different variant in the same codon resulting in a change to a lysine has been reported in a de novo patient with hypophosphastemic ricket (PMID: 26377240). (P) 0807 - Variant has not previously been reported in a clinical context. (N) 0905 - No segregation evidence has been identified for this variant. (N) 1007 - No published functional evidence has been identified for this variant. (P) Legend: (P) - Pathogenic, (N) - Neutral, (B) - Benign

Literature cited by the submitters: PubMed 26377240.